The following is an entry in ClinVar:

NM_003737.4(DCHS1):c.6631G>A (p.Ala2211Thr)

Gene: DCHS1 (dachsous cadherin-related 1; minus strand). Cytogenetic location: 11p15.4.
Variant type: single nucleotide variant.
Coding change: c.6631G>A on transcript NM_003737.4 (MANE Select); coding-DNA position 6631, G replaced by A.
Protein change: p.Ala2211Thr; replaces alanine 2211 with threonine.
Molecular consequence: missense variant.
Genome position (GRCh38, 1-based): chr11:6,626,020, C>T on the plus strand (G>A on the coding strand, the complement: DCHS1 is on the minus strand). VCF-style: chr11-6626020-C-T. GRCh37 (hg19) VCF-style: chr11-6647251-C-T.
Other names: short protein forms A2211T.
Identifiers: ClinVar variation 2582122 (VCV002582122.2), dbSNP rs2493816227, ClinGen allele CA379484806.

ClinVar aggregate classification (germline): Uncertain significance. Review status: criteria provided, multiple submitters, no conflicts (2 of 4 stars). 2 submissions from 2 submitters: Uncertain significance (2). Last evaluated 2025-08-29.

Conditions:
DCHS1-related disorder. Also called: DCHS1-related condition.

Allele frequency attached by ClinVar (database versions not stated): gnomAD exomes below 0.00001.
gnomAD v4.1: 1 of 1,612,410 alleles (0.000062%); highest among the groups gnomAD compares: Non-Finnish European, 0.000085%; no homozygotes.

Submissions (2):

PreventionGenetics, part of Exact Sciences
Classification: Uncertain significance for DCHS1-related condition. Last evaluated: 2025-08-29. Review status: criteria provided, single submitter. Criteria: ACMG Guidelines, 2015. Collection method: clinical testing. Allele origin: germline.
Comment: The DCHS1 c.6631G>A variant is predicted to result in the amino acid substitution p.Ala2211Thr. To our knowledge, this variant has not been reported in the literature or in a large population database (gnomAD), indicating this variant is rare. At this time, the clinical significance of this variant is uncertain due to the absence of conclusive functional and genetic evidence.

GeneDx
Classification: Uncertain significance. Last evaluated: 2023-03-29. Review status: criteria provided, single submitter. Criteria: GeneDx Variant Classification Process June 2021. Collection method: clinical testing. Allele origin: germline. Affected: yes.
Comment: Not observed at significant frequency in large population cohorts (gnomAD); In silico analysis supports that this missense variant does not alter protein structure/function; Has not been previously published as pathogenic or benign to our knowledge